The following is an entry in ClinVar:

ClinVar aggregate classification (germline): Uncertain significance (1 of 4 stars; one submission).

Conditions:
Propionic acidemia (PROP). Also called: GLYCINEMIA, KETOTIC; HYPERGLYCINEMIA WITH KETOACIDOSIS AND LEUKOPENIA; KETOTIC HYPERGLYCINEMIA. Identifiers: Orphanet 35, MedGen C0268579, MONDO:0011628, OMIM 606054, HP:0003571.

Submission:

Labcorp Genetics (formerly Invitae), Labcorp
Classification: Uncertain significance for Propionic acidemia. Last evaluated: 2022-06-10. Review status: criteria provided, single submitter. Criteria: Invitae Variant Classification Sherloc (09022015). Collection method: clinical testing. Allele origin: germline.
Comment: In summary, the available evidence is currently insufficient to determine the role of this variant in disease. Therefore, it has been classified as a Variant of Uncertain Significance. Algorithms developed to predict the effect of sequence changes on RNA splicing suggest that this variant may create or strengthen a splice site. This variant has not been reported in the literature in individuals affected with PCCA-related conditions. This variant is not present in population databases (gnomAD no frequency). This sequence change affects codon 705 of the PCCA mRNA. It is a 'silent' change, meaning that it does not change the encoded amino acid sequence of the PCCA protein.

NM_000282.4(PCCA):c.2115C>T (p.Gly705=)

Gene: PCCA (propionyl-CoA carboxylase subunit alpha; plus strand). Cytogenetic location: 13q32.3.
Variant type: single nucleotide variant.
Coding change: c.2115C>T on transcript NM_000282.4 (MANE Select); coding-DNA position 2115, C replaced by T.
Protein change: p.Gly705=; no amino-acid change (glycine 705 retained).
Molecular consequence: synonymous variant. On other transcripts: non-coding transcript variant (5).
Genome position (GRCh38, 1-based): chr13:100,527,749, C>T. VCF-style: chr13-100527749-C-T. GRCh37 (hg19) VCF-style: chr13-101180003-C-T.
Other names: c.2037C>T, p.Gly679= (NM_001127692.3); c.1974C>T, p.Gly658= (NM_001178004.2); c.2061C>T, p.Gly687= (NM_001352605.2); c.1971C>T, p.Gly657= (NM_001352606.2); c.1896C>T, p.Gly632= (NM_001352607.2); c.1893C>T, p.Gly631= (NM_001352608.2); c.1170C>T, p.Gly390= (NM_001352610.2); c.1116C>T, p.Gly372= (NM_001352611.2); and 1 more.
Identifiers: ClinVar variation 2004191 (VCV002004191.4), dbSNP rs2549086539, ClinGen allele CA484534953.
Genomic context (GRCh38, chr13:100,527,749, plus strand): 5'-AGAAATTTGTGTGATTGAAGCCATGAAAATGCAGAATAGTATGACAGCTGGGAAAACTGG[C>T]ACGGTGAGTCCCTAAGTCCCCATCAGCCCAGGCCGGCCCTGTGATGGAGGAACGCCCACC-3'
Protein context (NP_000273.2, residues 695-715): MQNSMTAGKT[Gly705=]TVKSVHCQAG